The following is an entry in ClinVar:

NM_000053.4(ATP7B):c.3862A>G (p.Thr1288Ala)

Gene: ATP7B (ATPase copper transporting beta; minus strand). Cytogenetic location: 13q14.3.
Variant type: single nucleotide variant.
Coding change: c.3862A>G on transcript NM_000053.4 (MANE Select); coding-DNA position 3862, A replaced by G.
Protein change: p.Thr1288Ala; replaces threonine 1288 with alanine.
Molecular consequence: missense variant.
Genome position (GRCh38, 1-based): chr13:51,937,517, T>C on the plus strand (A>G on the coding strand, the complement: ATP7B is on the minus strand). VCF-style: chr13-51937517-T-C. GRCh37 (hg19) VCF-style: chr13-52511653-T-C.
Other names: c.3241A>G, p.Thr1081Ala (NM_001005918.3); c.3529A>G, p.Thr1177Ala (NM_001243182.2); c.3628A>G, p.Thr1210Ala (NM_001330578.2); c.3610A>G, p.Thr1204Ala (NM_001330579.2); short protein forms T1081A, T1177A, T1204A, T1210A, T1288A.
Identifiers: ClinVar variation 1066172 (VCV001066172.7), dbSNP rs1257330000, ClinGen allele CA388021578.

ClinVar aggregate classification (germline): Likely pathogenic (1 of 4 stars; one submission).

Conditions:
Wilson disease (WND). Also called: Wilson's disease. Identifiers: Orphanet 905, MedGen C0019202, MONDO:0010200, OMIM 277900. Disease mechanism: loss of function.

Allele frequency attached by ClinVar (database versions not stated): gnomAD exomes below 0.00001.
gnomAD v4.1: 2 of 1,614,196 alleles (0.00012%); highest among the groups gnomAD compares: South Asian, 0.0022%; no homozygotes.

Submission:

Labcorp Genetics (formerly Invitae), Labcorp
Classification: Likely pathogenic for Wilson disease. Last evaluated: 2021-10-31. Review status: criteria provided, single submitter. Criteria: Invitae Variant Classification Sherloc (09022015). Collection method: clinical testing. Allele origin: germline.
Comment: In summary, the currently available evidence indicates that the variant is pathogenic, but additional data are needed to prove that conclusively. Therefore, this variant has been classified as Likely Pathogenic. This variant disrupts the p.Thr1288 amino acid residue in ATP7B. Other variant(s) that disrupt this residue have been determined to be pathogenic (PMID: 16416207, 17410460). This suggests that this residue is clinically significant, and that variants that disrupt this residue are likely to be disease-causing. Advanced modeling of protein sequence and biophysical properties (such as structural, functional, and spatial information, amino acid conservation, physicochemical variation, residue mobility, and thermodynamic stability) performed at Invitae indicates that this missense variant is expected to disrupt ATP7B protein function. ClinVar contains an entry for this variant (Variation ID: 1066172). This variant has not been reported in the literature in individuals affected with ATP7B-related conditions. This variant is present in population databases (no rsID available, gnomAD 0.003%). This sequence change replaces threonine, which is neutral and polar, with alanine, which is neutral and non-polar, at codon 1288 of the ATP7B protein (p.Thr1288Ala).

Literature cited by the submitters: PubMed 16416207; PubMed 17410460.